The following is an entry in ClinVar:

NM_017763.6(RNF43):c.537C>T (p.Asn179=)

Gene: RNF43 (ring finger protein 43; minus strand). Cytogenetic location: 17q22.
Variant type: single nucleotide variant.
Coding change: c.537C>T on transcript NM_017763.6 (MANE Select); coding-DNA position 537, C replaced by T.
Protein change: p.Asn179=; no amino-acid change (asparagine 179 retained).
Molecular consequence: synonymous variant.
Genome position (GRCh38, 1-based): chr17:58,363,320, G>A on the plus strand (C>T on the coding strand, the complement: RNF43 is on the minus strand). VCF-style: chr17-58363320-G-A. GRCh37 (hg19) VCF-style: chr17-56440681-G-A.
Other names: c.537C>T, p.Asn179= (NM_001305544.3); c.156C>T, p.Asn52= (NM_001305545.2).
Identifiers: ClinVar variation 3789933 (VCV003789933.2).

ClinVar aggregate classification (germline): Benign/Likely benign. Review status: criteria provided, multiple submitters, no conflicts (2 of 4 stars). 2 submissions from 2 submitters: Benign (1); Likely benign (1). Last evaluated 2026-06-30.

Conditions:
Sessile serrated polyposis cancer syndrome (SSPCS). Identifiers: Orphanet 157798, MedGen C4310714, MONDO:0014919, OMIM 617108.

gnomAD v4.1: 3 of 1,614,096 alleles (0.00019%); highest among the groups gnomAD compares: Non-Finnish European, 0.00025%; no homozygotes.

Submissions (2):

Myriad Genetics, Inc.
Classification: Benign for Sessile serrated polyposis cancer syndrome. Last evaluated: 2026-06-30. Review status: criteria provided, single submitter. Criteria: Myriad Autosomal Dominant, Autosomal Recessive and X-Linked Classification Criteria (2023). Collection method: clinical testing. Allele origin: unknown.
Comment: This variant is considered benign. This variant is a silent/synonymous amino acid change and it is not expected to impact splicing.

Ambry Genetics
Classification: Likely benign. Last evaluated: 2025-02-08. Review status: criteria provided, single submitter. Criteria: Ambry Variant Classification Scheme 2023. Collection method: clinical testing. Allele origin: germline.